The following is an entry in ClinVar:

ClinVar aggregate classification (germline): Uncertain significance. Review status: criteria provided, multiple submitters, no conflicts (2 of 4 stars). 3 submissions from 3 submitters: Uncertain significance (3). Last evaluated 2024-11-30.

Conditions:
Wiskott-Aldrich syndrome 2 (WAS2). Also called: WIPF1 DEFICIENCY. Identifiers: Orphanet 906, MedGen C3281001, MONDO:0013779, OMIM 614493.

Allele frequency attached by ClinVar (database versions not stated): TOPMed 0.00003; ESP Exome Variant Server 0.00008.
gnomAD v4.1: 44 of 1,573,666 alleles (0.0028%); highest among the groups gnomAD compares: Middle Eastern, 0.034%; no homozygotes.

Submissions (3):

Labcorp Genetics (formerly Invitae), Labcorp
Classification: Uncertain significance for Wiskott-Aldrich syndrome 2. Last evaluated: 2024-11-30. Review status: criteria provided, single submitter. Criteria: Invitae Variant Classification Sherloc (09022015). Collection method: clinical testing. Allele origin: germline.
Comment: This sequence change replaces proline, which is neutral and non-polar, with arginine, which is basic and polar, at codon 283 of the WIPF1 protein (p.Pro283Arg). This variant is present in population databases (rs369736015, gnomAD 0.01%). This variant has not been reported in the literature in individuals affected with WIPF1-related conditions. ClinVar contains an entry for this variant (Variation ID: 844957). An algorithm developed to predict the effect of missense changes on protein structure and function (PolyPhen-2) suggests that this variant is likely to be disruptive. In summary, the available evidence is currently insufficient to determine the role of this variant in disease. Therefore, it has been classified as a Variant of Uncertain Significance.

Blueprint Genetics
Classification: Uncertain significance. Last evaluated: 2024-07-23. Review status: criteria provided, single submitter. Criteria: ACMG Guidelines, 2015. Collection method: clinical testing. Allele origin: germline.

Mayo Clinic Laboratories, Mayo Clinic
Classification: Uncertain significance. Last evaluated: 2022-10-03. Review status: criteria provided, single submitter. Criteria: ACMG Guidelines, 2015. Collection method: clinical testing. Allele origin: germline. Observed: 1 variant allele.

NM_001375834.1(WIPF1):c.848C>G (p.Pro283Arg)

Gene: WIPF1 (WAS/WASL interacting protein family member 1; minus strand). Cytogenetic location: 2q31.1.
Variant type: single nucleotide variant.
Coding change: c.848C>G on transcript NM_001375834.1 (MANE Select); coding-DNA position 848, C replaced by G.
Protein change: p.Pro283Arg; replaces proline 283 with arginine.
Molecular consequence: missense variant.
Genome position (GRCh38, 1-based): chr2:174,571,957, G>C on the plus strand (C>G on the coding strand, the complement: WIPF1 is on the minus strand). VCF-style: chr2-174571957-G-C. GRCh37 (hg19) VCF-style: chr2-175436685-G-C.
Other names: p.Pro283Arg; c.848C>G, p.Pro283Arg (NM_001077269.1, NM_001375832.1, NM_001375833.1 and 5 more transcripts); c.470C>G, p.Pro157Arg (NM_001375839.1); short protein forms P157R, P283R.
Identifiers: ClinVar variation 844957 (VCV000844957.9), dbSNP rs369736015, ClinGen allele CA1974050.
Genomic context (GRCh38, chr2:174,571,957, plus strand): 5'-GAGGCCGAAGGCCGCGGAGTGGAAGGCACTGGAGGCTTGTTGTTCTGAGGAGGAGGAGGG[G>C]GAACCGCTTCCCTGTGGATGGAGGGCCTGTTGCCCACTGGAGGAGGTGGTGGAGGGGGTT-3'
Protein context (NP_001362763.1, residues 273-293): NRPSIHREAV[Pro283Arg]PPPPQNNKPP